The following is an entry in ClinVar:

ClinVar aggregate classification (germline): Likely benign. Review status: criteria provided, multiple submitters, no conflicts (2 of 4 stars). 2 submissions from 2 submitters: Likely benign (2). Last evaluated 2024-10-23.

Allele frequency attached by ClinVar (database versions not stated): gnomAD 0.00002; ExAC 0.00003; gnomAD exomes 0.00004 and 0.00009; TOPMed 0.00005.
gnomAD v4.1: 135 of 1,613,912 alleles (0.0084%); highest among the groups gnomAD compares: Non-Finnish European, 0.011%; 1 homozygote.

Submissions (2):

Labcorp Genetics (formerly Invitae), Labcorp
Classification: Likely benign. Last evaluated: 2024-10-23. Review status: criteria provided, single submitter. Criteria: Invitae Variant Classification Sherloc (09022015). Collection method: clinical testing. Allele origin: germline.

GeneDx
Classification: Likely benign. Last evaluated: 2016-03-03. Review status: criteria provided, single submitter. Criteria: GeneDx Variant Classification (06012015). Collection method: clinical testing. Allele origin: germline. Affected: yes.
Comment: This variant is considered likely benign or benign based on one or more of the following criteria: it is a conservative change, it occurs at a poorly conserved position in the protein, it is predicted to be benign by multiple in silico algorithms, and/or has population frequency not consistent with disease.

NM_025150.5(TARS2):c.1540-13C>T

Gene: TARS2 (threonyl-tRNA synthetase 2, mitochondrial; plus strand). Cytogenetic location: 1q21.2.
Variant type: single nucleotide variant.
Coding change: c.1540-13C>T on transcript NM_025150.5 (MANE Select); 13 bases into the intron before coding-DNA position 1540, C replaced by T.
Molecular consequence: intron variant.
Genome position (GRCh38, 1-based): chr1:150,499,203, C>T. VCF-style: chr1-150499203-C-T. GRCh37 (hg19) VCF-style: chr1-150471679-C-T.
Other names: c.1294-13C>T (NM_001271895.2); c.1150-13C>T (NM_001271896.2).
Identifiers: ClinVar variation 383521 (VCV000383521.8), dbSNP rs763390852, ClinGen allele CA1077055.